The following is an entry in ClinVar:

ClinVar aggregate classification (germline): Uncertain significance. Review status: criteria provided, multiple submitters, no conflicts (2 of 4 stars). 3 submissions from 3 submitters: Uncertain significance (3). Last evaluated 2024-07-29.

Conditions:
Usher syndrome type 3A (USH3A). Also called: USHER SYNDROME, TYPE IIIA. Identifiers: MedGen C5779850, MONDO:0010170, OMIM 276902.

Allele frequency attached by ClinVar (database versions not stated): ExAC 0.00002; gnomAD exomes 0.00003 and 0.00004.
gnomAD v4.1: 21 of 1,614,080 alleles (0.0013%); highest among the groups gnomAD compares: South Asian, 0.022%; no homozygotes.

Submissions (3):

Blueprint Genetics
Classification: Uncertain significance. Last evaluated: 2024-07-29. Review status: criteria provided, single submitter. Criteria: ACMG Guidelines, 2015. Collection method: clinical testing. Allele origin: germline.

Labcorp Genetics (formerly Invitae), Labcorp
Classification: Uncertain significance. Last evaluated: 2023-05-24. Review status: criteria provided, single submitter. Criteria: Invitae Variant Classification Sherloc (09022015). Collection method: clinical testing. Allele origin: germline.
Comment: This variant has not been reported in the literature in individuals affected with CLRN1-related conditions. This variant is present in population databases (rs764099313, gnomAD 0.03%). This sequence change replaces phenylalanine, which is neutral and non-polar, with serine, which is neutral and polar, at codon 119 of the CLRN1 protein (p.Phe119Ser). In summary, the available evidence is currently insufficient to determine the role of this variant in disease. Therefore, it has been classified as a Variant of Uncertain Significance. An algorithm developed to predict the effect of missense changes on protein structure and function (PolyPhen-2) suggests that this variant is likely to be disruptive. ClinVar contains an entry for this variant (Variation ID: 1301825).

Dubai Health Genomic Medicine Center, Dubai Health
Classification: Uncertain significance for Usher syndrome type 3A. Last evaluated: 2020-11-15. Review status: criteria provided, single submitter. Criteria: ACMG Guidelines, 2015. Collection method: clinical testing. Allele origin: germline. Affected: yes.
Comment: The p.Phe119Ser missense variant in CLRN1 has not been previously reported in individuals with disease but was detected in 7/30602 (0.023%0 homozygotes) South Asian alleles in the Genome Aggregation Database (gnomAD). Computational prediction tools and conservation analyses suggest this variant may impact the protein though this information is not predictive enough to determine pathogenicity. In summary additional information is needed to fully assess the clinical significance of this variant.

NM_174878.3(CLRN1):c.356T>C (p.Phe119Ser)

Gene: CLRN1 (clarin 1; minus strand). Cytogenetic location: 3q25.1.
Variant type: single nucleotide variant.
Coding change: c.356T>C on transcript NM_174878.3 (MANE Select); coding-DNA position 356, T replaced by C.
Protein change: p.Phe119Ser; replaces phenylalanine 119 with serine.
Molecular consequence: missense variant. On other transcripts: synonymous variant (1), non-coding transcript variant (1).
Genome position (GRCh38, 1-based): chr3:150,941,659, A>G on the plus strand (T>C on the coding strand, the complement: CLRN1 is on the minus strand). VCF-style: chr3-150941659-A-G. GRCh37 (hg19) VCF-style: chr3-150659446-A-G.
Other names: c.356T>C, p.Phe119Ser (NM_001195794.1); c.528T>C, p.Leu176= (NM_001256819.2); c.128T>C, p.Phe43Ser (NM_052995.2); short protein forms F119S, F43S.
Identifiers: ClinVar variation 1301825 (VCV001301825.6), dbSNP rs764099313, ClinGen allele CA2666081.